The following is an entry in ClinVar:

NM_001253.4(CDC5L):c.396A>G (p.Pro132=)

Gene: CDC5L (cell division cycle 5 like; plus strand). Cytogenetic location: 6p21.1.
Variant type: single nucleotide variant.
Coding change: c.396A>G on transcript NM_001253.4 (MANE Select); coding-DNA position 396, A replaced by G.
Protein change: p.Pro132=; no amino-acid change (proline 132 retained).
Molecular consequence: synonymous variant.
Genome position (GRCh38, 1-based): chr6:44,393,530, A>G. VCF-style: chr6-44393530-A-G. GRCh37 (hg19) VCF-style: chr6-44361267-A-G.
Identifiers: ClinVar variation 3353076 (VCV003353076.1).

ClinVar aggregate classification (germline): Likely benign (0 of 4 stars; one submission).

Conditions:
CDC5L-related disorder. Also called: CDC5L-related condition.

gnomAD v4.1: 498 of 1,614,136 alleles (0.031%); highest among the groups gnomAD compares: African/African-American, 0.59%; 2 homozygotes.

Submission:

PreventionGenetics, part of Exact Sciences
Classification: Likely benign for CDC5L-related condition. Last evaluated: 2024-03-08. Review status: no assertion criteria provided. Collection method: clinical testing. Allele origin: germline.
Comment: This variant is classified as likely benign based on ACMG/AMP sequence variant interpretation guidelines (Richards et al. 2015 PMID: 25741868, with internal and published modifications).